The following is an entry in ClinVar:

NM_018100.4(EFHC1):c.1307G>A (p.Arg436His)

Gene: EFHC1 (EF-hand domain containing 1; plus strand). Cytogenetic location: 6p12.2.
Variant type: single nucleotide variant.
Coding change: c.1307G>A on transcript NM_018100.4 (MANE Select); coding-DNA position 1307, G replaced by A.
Protein change: p.Arg436His; replaces arginine 436 with histidine.
Molecular consequence: missense variant. On other transcripts: non-coding transcript variant (1).
Genome position (GRCh38, 1-based): chr6:52,479,065, G>A. VCF-style: chr6-52479065-G-A. GRCh37 (hg19) VCF-style: chr6-52343863-G-A.
Other names: c.1250G>A, p.Arg417His (NM_001172420.2); short protein forms R417H, R436H.
Identifiers: ClinVar variation 4533280 (VCV004533280.1).

ClinVar aggregate classification (germline): Uncertain significance (1 of 4 stars; one submission).

Conditions:
Epilepsy, juvenile absence, susceptibility to, 1 (EJA1). Identifiers: MedGen C2750892, MONDO:0020772, OMIM 607631.
Myoclonic epilepsy, juvenile, susceptibility to, 1. Also called: Myoclonic Epilepsy, Juvenile, 1; EJM1. Identifiers: MedGen C1850778, MONDO:0020752, OMIM 254770.

gnomAD v4.1: 14 of 1,613,798 alleles (0.00087%); highest among the groups gnomAD compares: East Asian, 0.0089%; no homozygotes.

Submission:

Diagnostics Services (NGS), CSIR - Centre For Cellular And Molecular Biology
Classification: Uncertain significance for Myoclonic epilepsy, juvenile, susceptibility to, 1; Epilepsy, juvenile absence, susceptibility to, 1. Last evaluated: 2025-11-20. Review status: criteria provided, single submitter. Criteria: ACMG Guidelines, 2015. Collection method: clinical testing. Allele origin: germline. Affected: yes. Observed: 1 variant allele, 1 heterozygote.
Comment: The c.1307G>A variant is not present in publicly available population databases like 1000 Genomes, EVS, Indian Exome Database or our internal database. The variant is present in gnomAD at a low frequency. The variant has neither been published in the literature nor reported in clinical databases like Human Genome Mutation Database (HGMD), ClinVar, or OMIM for EFHC1-related conditions. In-silico pathogenicity prediction programs like SIFT, Polephen-2, MutationTaster2021, CADD, Franklin, etc, predicted this variant to be likely deleterious; however, these predictions were not confirmed by published functional studies. An alternate variant with a different amino acid change in the same codon (Arg436Cys) has been previously observed in affected individuals [PMID: 28370826] reported to the clinical databases (HGMD ID: CM179724, ClinVar Accession: VCV000198888.17).

Literature cited by the submitters: PubMed 28370826.